The following is an entry in ClinVar:

ClinVar aggregate classification (germline): Uncertain significance (1 of 4 stars; one submission).

gnomAD v4.1: 3 of 1,612,900 alleles (0.00019%); highest among the groups gnomAD compares: African/African-American, 0.0027%; no homozygotes.

Submission:

GeneDx
Classification: Uncertain significance. Last evaluated: 2023-06-13. Review status: criteria provided, single submitter. Criteria: GeneDx Variant Classification Process June 2021. Collection method: clinical testing. Allele origin: germline. Affected: yes.
Comment: In silico analysis supports that this missense variant does not alter protein structure/function; Has not been previously published as pathogenic or benign to our knowledge

NM_022455.5(NSD1):c.7492G>A (p.Gly2498Arg)

Gene: NSD1 (nuclear receptor binding SET domain protein 1; plus strand). Cytogenetic location: 5q35.3.
Variant type: single nucleotide variant.
Coding change: c.7492G>A on transcript NM_022455.5 (MANE Select); coding-DNA position 7492, G replaced by A.
Protein change: p.Gly2498Arg; replaces glycine 2498 with arginine.
Molecular consequence: missense variant.
Genome position (GRCh38, 1-based): chr5:177,294,860, G>A. VCF-style: chr5-177294860-G-A. GRCh37 (hg19) VCF-style: chr5-176721861-G-A.
Other names: c.6619G>A, p.Gly2207Arg (NM_001365684.2, NM_001409308.1, NM_172349.5); c.7492G>A, p.Gly2498Arg (NM_001409301.1, NM_001409302.1, NM_001409303.1); c.7072G>A, p.Gly2358Arg (NM_001409304.1); c.6739G>A, p.Gly2247Arg (NM_001409305.1); c.6730G>A, p.Gly2244Arg (NM_001409306.1, NM_001409307.1); c.6370G>A, p.Gly2124Arg (NM_001409309.1); short protein forms G2124R, G2207R, G2244R, G2247R, G2358R, G2498R.
Identifiers: ClinVar variation 3359880 (VCV003359880.1).